The following is an entry in ClinVar:

NM_000166.6(GJB1):c.-17+1G>A

Gene: GJB1 (gap junction protein beta 1; plus strand). Cytogenetic location: Xq13.1.
Variant type: single nucleotide variant.
Coding change: c.-17+1G>A on transcript NM_000166.6 (MANE Select); the canonical splice donor site of the intron after 17 bases upstream of the start codon, G replaced by A.
Molecular consequence: splice donor variant. On other transcripts: intron variant (2).
Genome position (GRCh38, 1-based): chrX:71,223,336, G>A. VCF-style: chrX-71223336-G-A. GRCh37 (hg19) VCF-style: chrX-70443186-G-A.
Other names: c.-17+1G>A (NM_000166.5); c.-16-356G>A (NM_001440770.1, NM_001097642.3).
Identifiers: ClinVar variation 4086661 (VCV004086661.3).
Genomic context (GRCh38, chrX:71,223,336, plus strand): 5'-CACAGACATGAGACCATAGGGGACCTGTCTGGGTGGCCTCAGGGATAGGCGCTCCCCAAG[G>A]TAAGAGGGCTTTGTTGAGTTTGCCCCAGGTCTGGAGTTAAGGAGCTAGGGGACAGGGAGC-3'

ClinVar aggregate classification (germline): Uncertain significance. Review status: criteria provided, multiple submitters, no conflicts (2 of 4 stars). 3 submissions from 3 submitters: Uncertain significance (3). Last evaluated 2025-09-22.

Conditions:
GJB1-related disorder. Also called: GJB1-related condition; GJB1-related disorders.

Submissions (3):

PreventionGenetics, part of Exact Sciences
Classification: Uncertain significance for GJB1-related condition. Last evaluated: 2025-09-22. Review status: criteria provided, single submitter. Criteria: ACMG Guidelines, 2015. Collection method: clinical testing. Allele origin: germline.
Comment: The GJB1 c.-17+1G>A variant is located in the 5' untranslated region. This variant is predicted to alter splicing based on available splicing prediction programs (SpliceAI, Jaganathan et al. 2019. PubMed ID: 30661751). An alternate nucleotide change at the same genomic position (c.-17+1G>T) has been reported in a family affected with GJB1-related disorders (Tomaselli et al. 2017. PubMed ID: 28283593). An adjacent variant that is predicted to impact the same canonical splice site has (c.-17G>A) been reported in many unrelated individuals and families with GJB1-related disorders (Tomaselli et al. 2017. PubMed ID: 28283593; Supp. Table 4 Record et al. 2023. PubMed ID: 37284795). To our knowledge, this variant has not been reported in the literature or in a large population database (gnomAD), indicating this variant is rare. Although we suspect that this variant may be pathogenic, at this time, the clinical significance of this variant is uncertain due to the absence of conclusive functional and genetic evidence.

Mayo Clinic Laboratories, Mayo Clinic
Classification: Uncertain significance. Last evaluated: 2025-04-23. Review status: criteria provided, single submitter. Criteria: ACMG Guidelines, 2015. Collection method: clinical testing. Allele origin: germline. Observed: 1 variant allele.
Comment: PM2_supporting, PS1_moderate, PVS1_moderate

GeneDx
Classification: Uncertain significance. Last evaluated: 2025-03-18. Review status: criteria provided, single submitter. Criteria: GeneDx Variant Classification Process June 2021. Collection method: clinical testing. Allele origin: germline. Affected: yes.
Comment: In silico analysis supports a deleterious effect on splicing; No data available from control populations to assess the frequency of this variant; Located in a regulatory region; in the absence of functional studies, the actual effect of this sequence change is unknown; Has not been previously published as pathogenic or benign to our knowledge